The following is an entry in ClinVar:

NM_004333.6(BRAF):c.1643T>C (p.Phe548Ser)

Gene: BRAF (B-Raf proto-oncogene, serine/threonine kinase; minus strand). Cytogenetic location: 7q34.
Variant type: single nucleotide variant.
Coding change: c.1643T>C on transcript NM_004333.6 (MANE Select); coding-DNA position 1643, T replaced by C.
Protein change: p.Phe548Ser; replaces phenylalanine 548 with serine.
Molecular consequence: missense variant.
Genome position (GRCh38, 1-based): chr7:140,776,963, A>G on the plus strand (T>C on the coding strand, the complement: BRAF is on the minus strand). VCF-style: chr7-140776963-A-G. GRCh37 (hg19) VCF-style: chr7-140476763-A-G.
Other names: c.1643T>C, p.Phe548Ser (NM_001354609.2, NM_001378468.1, NM_001378474.1); c.1763T>C, p.Phe588Ser (NM_001374244.1, NM_001374258.1); c.1652T>C, p.Phe551Ser (NM_001378467.1); c.1577T>C, p.Phe526Ser (NM_001378469.1); c.1541T>C, p.Phe514Ser (NM_001378470.1); c.1532T>C, p.Phe511Ser (NM_001378471.1); c.1487T>C, p.Phe496Ser (NM_001378472.1, NM_001378473.1); c.1379T>C, p.Phe460Ser (NM_001378475.1); short protein forms F548S, F460S, F496S, F511S, F514S, F526S, F551S, F588S.
Identifiers: ClinVar variation 580041 (VCV000580041.8), dbSNP rs1562954580, ClinGen allele CA369587966.

ClinVar aggregate classification (germline): Uncertain significance (1 of 4 stars; one submission).

Conditions:
RASopathy. Also called: rasopathies; Noonan spectrum disorder. Identifiers: Orphanet 536391, MedGen C5555857, MONDO:0021060.

Submission:

Labcorp Genetics (formerly Invitae), Labcorp
Classification: Uncertain significance for RASopathy. Last evaluated: 2018-06-01. Review status: criteria provided, single submitter. Criteria: Invitae Variant Classification Sherloc (09022015). Collection method: clinical testing. Allele origin: germline.
Comment: This variant has not been reported in the literature in individuals with BRAF-related disease. This variant is not present in population databases (ExAC no frequency). This sequence change replaces phenylalanine with serine at codon 548 of the BRAF protein (p.Phe548Ser). The phenylalanine residue is highly conserved and there is a large physicochemical difference between phenylalanine and serine. Algorithms developed to predict the effect of missense changes on protein structure and function (SIFT, PolyPhen-2, Align-GVGD) all suggest that this variant is likely to be disruptive, but these predictions have not been confirmed by published functional studies and their clinical significance is uncertain. In summary, the available evidence is currently insufficient to determine the role of this variant in disease. Therefore, it has been classified as a Variant of Uncertain Significance.